The following is an entry in ClinVar:

NM_000548.5(TSC2):c.4766C>T (p.Pro1589Leu)

Gene: TSC2 (TSC complex subunit 2; plus strand). Cytogenetic location: 16p13.3.
Variant type: single nucleotide variant.
Coding change: c.4766C>T on transcript NM_000548.5 (MANE Select); coding-DNA position 4766, C replaced by T.
Protein change: p.Pro1589Leu; replaces proline 1589 with leucine.
Molecular consequence: missense variant.
Genome position (GRCh38, 1-based): chr16:2,086,296, C>T. VCF-style: chr16-2086296-C-T. GRCh37 (hg19) VCF-style: chr16-2136297-C-T.
Other names: c.4565C>T, p.Pro1522Leu (NM_001077183.3); c.4697C>T, p.Pro1566Leu (NM_001114382.3); c.4457C>T, p.Pro1486Leu (NM_001318827.2); c.4421C>T, p.Pro1474Leu (NM_001318829.2); c.4034C>T, p.Pro1345Leu (NM_001318831.2); c.4598C>T, p.Pro1533Leu (NM_001318832.2); c.4568C>T, p.Pro1523Leu (NM_001363528.2); c.4634C>T, p.Pro1545Leu (NM_001370404.1); and 1 more; short protein forms P1533L, P1486L, P1523L, P1546L, P1566L, P1522L, P1589L, P1345L.
Identifiers: ClinVar variation 665252 (VCV000665252.20), dbSNP rs373635516, ClinGen allele CA052421.
Genomic context (GRCh38, chr16:2,086,296, plus strand): 5'-ACAGGTACACGGAGTTCCTGACGGGCCTGGGCCGGCTCATCGAGCTGAAGGACTGCCAGC[C>T]GGACAAGGTGTACCTGGGAGGCCTGGACGTGTGTGGTGAGGACGGCCAGTTCACCTACTG-3'
Protein context (NP_000539.2, residues 1579-1599): GRLIELKDCQ[Pro1589Leu]DKVYLGGLDV

ClinVar aggregate classification (germline): Conflicting classifications of pathogenicity. Review status: criteria provided, conflicting classifications (1 of 4 stars). 7 submissions from 7 submitters: Uncertain significance (6); Benign (1). Last evaluated 2025-11-17.

Conditions:
Tuberous sclerosis syndrome (TSC). Also called: Tuberous Sclerosis Complex; Tuberous sclerosis. Identifiers: Orphanet 805, MedGen C0041341, MONDO:0001734.
Hereditary cancer-predisposing syndrome. Also called: Neoplastic Syndromes, Hereditary; Hereditary neoplastic syndrome; Tumor predisposition; Hereditary Cancer Syndrome. Identifiers: Orphanet 140162, MedGen C0027672, MeSH D009386, MONDO:0015356.
Tuberous sclerosis 2 (TSC2). Identifiers: Orphanet 805, MedGen C1860707, MONDO:0013199, OMIM 613254.

Allele frequency attached by ClinVar (database versions not stated): gnomAD exomes below 0.00001 and 0.00001; ExAC 0.00001; gnomAD 0.00001; TOPMed 0.00002; ESP Exome Variant Server 0.00008.
gnomAD v4.1: 10 of 1,612,784 alleles (0.00062%); highest among the groups gnomAD compares: South Asian, 0.0022%; no homozygotes.

Submissions (7):

Labcorp Genetics (formerly Invitae), Labcorp
Classification: Benign for Tuberous sclerosis 2. Last evaluated: 2025-11-17. Review status: criteria provided, single submitter. Criteria: Invitae Variant Classification Sherloc (09022015). Collection method: clinical testing. Allele origin: germline.

Color Diagnostics, LLC DBA Color Health
Classification: Uncertain significance for Tuberous sclerosis syndrome. Last evaluated: 2025-07-11. Review status: criteria provided, single submitter. Criteria: ACMG Guidelines, 2015. Collection method: clinical testing. Allele origin: germline.
Comment: This missense variant replaces proline with leucine at codon 1589 of the TSC2 protein. Computational prediction suggests that this variant may have deleterious impact on protein structure and function. To our knowledge, functional studies have not been reported for this variant. This variant has not been reported in individuals affected with TSC2-related disorders in the literature. This variant has been identified in 1/249862 chromosomes in the general population by the Genome Aggregation Database (gnomAD). The available evidence is insufficient to determine the role of this variant in disease conclusively. Therefore, this variant is classified as a Variant of Uncertain Significance.

Ambry Genetics
Classification: Uncertain significance for Hereditary cancer-predisposing syndrome. Last evaluated: 2024-11-26. Review status: criteria provided, single submitter. Criteria: Ambry Variant Classification Scheme 2023. Collection method: clinical testing. Allele origin: germline.
Comment: The p.P1589L variant (also known as c.4766C>T), located in coding exon 36 of the TSC2 gene, results from a C to T substitution at nucleotide position 4766. The proline at codon 1589 is replaced by leucine, an amino acid with similar properties. This variant was identified in an individual with a chordoma (Yepes S et al. Cancers (Basel), 2021 May;13). This amino acid position is highly conserved in available vertebrate species. In addition, this alteration is predicted to be deleterious by in silico analysis. Based on the available evidence, the clinical significance of this variant remains unclear.

GeneDx
Classification: Uncertain significance. Last evaluated: 2023-08-16. Review status: criteria provided, single submitter. Criteria: GeneDx Variant Classification Process June 2021. Collection method: clinical testing. Allele origin: germline. Affected: yes.
Comment: In silico analysis supports that this missense variant has a deleterious effect on protein structure/function; Observed in an individual with chordoma (Yepes et al., 2021); This variant is associated with the following publications: (PMID: 18466115, 34070849)

All of Us Research Program, National Institutes of Health
Classification: Uncertain significance for Tuberous sclerosis syndrome. Last evaluated: 2023-05-04. Review status: criteria provided, single submitter. Criteria: ACMG Guidelines, 2015. Collection method: clinical testing. Allele origin: germline. Inheritance: Autosomal dominant inheritance. Observed: 2 variant alleles, 2 heterozygotes.
Comment: This missense variant replaces proline with leucine at codon 1589 of the TSC2 protein. Computational prediction suggests that this variant may have deleterious impact on protein structure and function (internally defined REVEL score threshold >= 0.7, PMID: 27666373). To our knowledge, functional studies have not been reported for this variant. This variant has not been reported in individuals affected with TSC2-related disorders in the literature. This variant has been identified in 1/249862 chromosomes in the general population by the Genome Aggregation Database (gnomAD). The available evidence is insufficient to determine the role of this variant in disease conclusively. Therefore, this variant is classified as a Variant of Uncertain Significance.

This study involves interpretation of variants in research participants for the purpose of population health screening. Participant phenotype was not available at the time of variant classification. Additional details can be found in publication PMID: 35346344, PMCID: PMC8962531

Genome-Nilou Lab
Classification: Uncertain significance for Tuberous sclerosis 2. Last evaluated: 2021-11-07. Review status: criteria provided, single submitter. Criteria: ACMG Guidelines, 2015. Collection method: clinical testing. Allele origin: germline. Affected: no.

Revvity Omics, Revvity
Classification: Uncertain significance for Tuberous sclerosis 2. Last evaluated: 2019-05-20. Review status: criteria provided, single submitter. Criteria: ACMG Guidelines, 2015. Collection method: clinical testing. Allele origin: germline.

Literature cited by the submitters: PubMed 34070849 (cited by Ambry Genetics).